The following is an entry in ClinVar:

ClinVar aggregate classification (germline): Conflicting classifications of pathogenicity. Review status: criteria provided, conflicting classifications (1 of 4 stars). 11 submissions from 11 submitters: Uncertain significance (7); Likely benign (1). 3 of the submissions do not count toward it. Last evaluated 2025-11-18.

Conditions:
Hereditary cancer-predisposing syndrome. Also called: Tumor predisposition; Hereditary neoplastic syndrome; Hereditary Cancer Syndrome; Neoplastic Syndromes, Hereditary. Identifiers: Orphanet 140162, MedGen C0027672, MeSH D009386, MONDO:0015356.
Hereditary breast ovarian cancer syndrome. Also called: Hereditary breast and/or ovarian cancer syndrome; Breast and ovarian cancer; Hereditary breast and ovarian cancer syndrome; Hereditary breast and ovarian cancer; Hereditary breast and ovarian cancer syndrome (HBOC); BRCA1- and BRCA2-Associated Hereditary Breast and Ovarian Cancer. Identifiers: Orphanet 145, MedGen C0677776, MeSH D061325, MONDO:0003582. Disease mechanism: loss of function.
Breast-ovarian cancer, familial, susceptibility to, 1 (BROVCA1). Also called: BRCA1 Hereditary Breast and Ovarian Cancer; OVARIAN CANCER, SUSCEPTIBILITY TO. Identifiers: Orphanet 145, MedGen C2676676, MONDO:0011450, OMIM 604370. Disease mechanism: loss of function.

Allele frequency attached by ClinVar (database versions not stated): gnomAD exomes below 0.00001; TOPMed below 0.00001; ExAC 0.00001; gnomAD 0.00001.
gnomAD v4.1: 7 of 1,614,096 alleles (0.00043%); highest among the groups gnomAD compares: South Asian, 0.0022%; 1 homozygote.

Submissions (11):

Labcorp Genetics (formerly Invitae), Labcorp
Classification: Uncertain significance for Hereditary breast ovarian cancer syndrome. Last evaluated: 2025-11-18. Review status: criteria provided, single submitter. Criteria: Invitae Variant Classification Sherloc (09022015). Collection method: clinical testing. Allele origin: germline.
Comment: This sequence change replaces serine, which is neutral and polar, with tyrosine, which is neutral and polar, at codon 1577 of the BRCA1 protein (p.Ser1577Tyr). This variant is present in population databases (rs273901741, gnomAD 0.0009%). This missense change has been observed in individual(s) with breast cancer (PMID: 21156238, 27163896, 32772980, 33067490). This variant is also known as 4849C>A and c.4793C>A. ClinVar contains an entry for this variant (Variation ID: 125729). Invitae Evidence Modeling of protein sequence and biophysical properties (such as structural, functional, and spatial information, amino acid conservation, physicochemical variation, residue mobility, and thermodynamic stability) indicates that this missense variant is not expected to disrupt BRCA1 protein function with a negative predictive value of 95%. Experimental studies have shown that this missense change does not substantially affect BRCA1 function (PMID: 30765603). In summary, the available evidence is currently insufficient to determine the role of this variant in disease. Therefore, it has been classified as a Variant of Uncertain Significance.

Quest Diagnostics Nichols Institute San Juan Capistrano
Classification: Uncertain significance. Last evaluated: 2025-10-27. Review status: criteria provided, single submitter. Criteria: Quest Diagnostics criteria. Collection method: clinical testing. Allele origin: unknown.
Comment: The BRCA1 c.4730C>A (p.Ser1577Tyr) variant has been reported in the published literature in multiple individuals with breast and/or ovarian cancer (PMIDs: 33067490 (2020), 32772980 (2020), 27163896 (2016), 26848529 (2016), 21156238 (2010)). Assessment of experimental analysis yielded inconclusive results regarding the impact of this variant on protein function (PMIDs: 32546644 (2020), 30765603 (2019)). The frequency of this variant in the general population (Genome Aggregation Database) is uninformative in the assessment of its pathogenicity. Based on the available information, we are unable to determine the clinical significance of this variant.

Institute for Biomarker Research, Medical Diagnostic Laboratories, L.L.C.
Classification: Uncertain significance for Hereditary breast ovarian cancer syndrome. Last evaluated: 2025-03-10. Review status: criteria provided, single submitter. Criteria: ACMG Guidelines, 2015. Collection method: clinical testing. Allele origin: germline.
Comment: The missense variant NM_007294.4(BRCA1):c.4730C>A (p.Ser1577Tyr) has not been reported previously as a pathogenic variant, to our knowledge. There is a large physicochemical difference between serine and tyrosine, which is likely to impact secondary protein structure as these residues differ in polarity, charge, size and/or other properties. The gene BRCA1 has a low rate of benign missense variation as indicated by a high missense variants Z-Score of 2.32. The nucleotide c.4730 in BRCA1 is not conserved according to a GERP++ and PhyloP analysis of 100 vertebrates. For these reasons, this variant has been classified as Uncertain Significance.

GeneDx
Classification: Uncertain significance. Last evaluated: 2025-03-04. Review status: criteria provided, single submitter. Criteria: GeneDx Variant Classification Process June 2021. Collection method: clinical testing. Allele origin: germline. Affected: yes.
Comment: Not observed at significant frequency in large population cohorts (gnomAD); In silico analysis supports that this missense variant has a deleterious effect on protein structure/function; Also known as 4849C>A; This variant is associated with the following publications: (PMID: 21156238, 35665744, 31131967, 23704879, 29884841, 32377563, 31853058, 27163896, 33471991, 30765603, 32546644, 10220405, 9974970, 11301010, 33067490, Sevimli2024[article], Bahsi2019[article], 32772980)

Color Diagnostics, LLC DBA Color Health
Classification: Uncertain significance for Hereditary cancer-predisposing syndrome. Last evaluated: 2024-07-09. Review status: criteria provided, single submitter. Criteria: ACMG Guidelines, 2015. Collection method: clinical testing. Allele origin: germline.
Comment: This missense variant replaces serine with tyrosine at codon 1577 of the BRCA1 protein. Computational prediction is inconclusive regarding the impact of this variant on protein structure and function. Functional studies have reported that this variant does not impact BRCA1 function in transcription activation and cisplatin and PARP inhibitor sensitivity assays (PMID: 30765603, 32546644). This variant has been reported in at least three individuals affected with breast cancer (PMID: 21156238, 27163896, 32772980, 33471991; Leiden Open Variation Database DB-ID BRCA1_001236; doi: 10.1515/tjb-2019-0424). This variant has been identified in 1/251298 chromosomes in the general population by the Genome Aggregation Database (gnomAD). The available evidence is insufficient to determine the role of this variant in disease conclusively. Therefore, this variant is classified as a Variant of Uncertain Significance.

All of Us Research Program, National Institutes of Health
Classification: Uncertain significance for Breast-ovarian cancer, familial, susceptibility to, 1. Last evaluated: 2023-08-28. Review status: criteria provided, single submitter. Criteria: ACMG Guidelines, 2015. Collection method: clinical testing. Allele origin: germline. Inheritance: Autosomal dominant inheritance. Observed: 2 variant alleles, 2 heterozygotes.
Comment: This missense variant replaces serine with tyrosine at codon 1577 of the BRCA1 protein. Computational prediction is inconclusive regarding the impact of this variant on protein structure and function (internally defined REVEL score threshold 0.5 < inconclusive < 0.7, PMID: 27666373). A functional study has reported that this variant does not impact BRCA1 function in a transcription activation assay (PMID: 30765603). This variant has been reported in at least two individuals affected with breast cancer (PMID: 21156238, 27163896, 33471991; Leiden Open Variation Database DB-ID BRCA1_001236; doi/10.1515/tjb-2019-0424). This variant has been identified in 1/251298 chromosomes in the general population by the Genome Aggregation Database (gnomAD). The available evidence is insufficient to determine the role of this variant in disease conclusively. Therefore, this variant is classified as a Variant of Uncertain Significance.

This study involves interpretation of variants in research participants for the purpose of population health screening. Participant phenotype was not available at the time of variant classification. Additional details can be found in publication PMID: 35346344, PMCID: PMC8962531

Ambry Genetics
Classification: Likely benign for Hereditary cancer-predisposing syndrome. Last evaluated: 2020-05-18. Review status: criteria provided, single submitter. Criteria: Ambry Variant Classification Scheme 2023. Collection method: clinical testing. Allele origin: germline.

Women's Health and Genetics/Laboratory Corporation of America, LabCorp
Classification: Uncertain significance. Last evaluated: 2016-05-16. Review status: criteria provided, single submitter. Criteria: LabCorp Variant Classification Summary - May 2015. Collection method: clinical testing. Allele origin: germline.
Comment: Variant summary: The BRCA1 c.4730C>A (p.Ser1577Tyr) variant involves the alteration of a non-conserved nucleotide. 2/4 in silico tools predict a benign outcome (SNPs&GO not captured due to low reliability index). This variant was found in 1/121234 control chromosomes at a frequency of 0.0000082, which does not exceed the estimated maximal expected allele frequency of a pathogenic BRCA1 variant (0.0010005). The variant was identified in at least 2 HBOC cases without strong evidence for causality. In addition, the variant is classified by published reports and reputable database as a VUS. Due to limited clinical information and lack of functional or co-segregation studies, the variant was classified as a variant of uncertain significance (VUS) until additional information becomes available.

Department of Medical and Surgical Sciences, University of Bologna
Classification: Likely benign for Breast-ovarian cancer, familial, susceptibility to, 1. Last evaluated: 2023-09-01. Review status: no assertion criteria provided. Collection method: clinical testing. Allele origin: germline. Affected: yes. Not counted in ClinVar's aggregate classification.
Comment: PM2(Supporting)+BP1(Strong)+BP5(Moderate) according to ACMG/AMP classification guidelines specified for BRCA1 & BRCA2 (Classification Criteria V1.0.0 2023-09-08) (PMID: 38160042)

BRCAlab, Lund University
Classification: Uncertain significance for Breast-ovarian cancer, familial, susceptibility to, 1. Last evaluated: 2020-03-02. Review status: no assertion criteria provided. Collection method: clinical testing. Allele origin: germline. Affected: yes. Not counted in ClinVar's aggregate classification.

Breast Cancer Information Core (BIC) (BRCA1)
Classification: Uncertain significance for Breast-ovarian cancer, familial 1. Last evaluated: 2010-12-17. Review status: no assertion criteria provided. Collection method: clinical testing. Allele origin: germline. Affected: yes. Observed: 1 variant allele. Not counted in ClinVar's aggregate classification.

Literature cited by the submitters: PubMed 21156238 (cited by 5 submitters); PubMed 27163896 (cited by 6 submitters); PubMed 32772980 (cited by 3 submitters); PubMed 33067490 (cited by Labcorp Genetics (formerly Invitae), Labcorp and Quest Diagnostics Nichols Institute San Juan Capistrano); PubMed 30765603 (cited by 5 submitters); PubMed 31131967 (cited by Quest Diagnostics Nichols Institute San Juan Capistrano); PubMed 26848529 (cited by Quest Diagnostics Nichols Institute San Juan Capistrano); PubMed 32546644 (cited by Quest Diagnostics Nichols Institute San Juan Capistrano and Color Diagnostics, LLC DBA Color Health); PubMed 26295337 (cited by Quest Diagnostics Nichols Institute San Juan Capistrano); PubMed 33471991 (cited by Color Diagnostics, LLC DBA Color Health and All of Us Research Program, National Institutes of Health); PubMed 23704879 (cited by Ambry Genetics and Women's Health and Genetics/Laboratory Corporation of America, LabCorp).

NM_007294.4(BRCA1):c.4730C>A (p.Ser1577Tyr)

Gene: BRCA1 (BRCA1 DNA repair associated; minus strand). Cytogenetic location: 17q21.31.
Variant type: single nucleotide variant.
Coding change: c.4730C>A on transcript NM_007294.4 (MANE Select); coding-DNA position 4730, C replaced by A.
Protein change: p.Ser1577Tyr; replaces serine 1577 with tyrosine.
Molecular consequence: missense variant. On other transcripts: non-coding transcript variant (1).
Genome position (GRCh38, 1-based): chr17:43,071,184, G>T on the plus strand (C>A on the coding strand, the complement: BRCA1 is on the minus strand). VCF-style: chr17-43071184-G-T. GRCh37 (hg19) VCF-style: chr17-41223201-G-T.
Other names: P1577H; c.4517C>A, p.Ser1506Tyr (NM_001407571.1, NM_001407894.1, NM_001407895.1 and 12 more transcripts); c.4796C>A, p.Ser1599Tyr (NM_001407581.1, NM_001407582.1); c.4793C>A, p.Ser1598Tyr (NM_001407583.1, NM_001407585.1, NM_001407587.1 and 1 more transcripts); c.4790C>A, p.Ser1597Tyr (NM_001407590.1, NM_001407591.1); c.4730C>A, p.Ser1577Tyr (NM_001407593.1, NM_001407594.1, NM_001407596.1 and 8 more transcripts); c.4727C>A, p.Ser1576Tyr (NM_001407610.1, NM_001407611.1, NM_001407612.1 and 17 more transcripts); c.4724C>A, p.Ser1575Tyr (NM_001407627.1, NM_001407628.1, NM_001407629.1 and 14 more transcripts); and 71 more; short protein forms S1577Y, S1598Y, S473Y, S1530Y, S1281Y, S1408Y, S1466Y, S1506Y.
Identifiers: ClinVar variation 125729 (VCV000125729.21), dbSNP rs273901741, ClinGen allele CA002996.